The following is an entry in ClinVar:

ClinVar aggregate classification (germline): Uncertain significance (1 of 4 stars; one submission).

Conditions:
Familial adenomatous polyposis 1 (FAP1). Also called: FAMILIAL ADENOMATOUS POLYPOSIS 1, ATTENUATED; POLYPOSIS, ADENOMATOUS INTESTINAL. Identifiers: MedGen C2713442, MONDO:0021056, OMIM 175100. Disease mechanism: loss of function.

gnomAD v4.1: 1 of 521,284 alleles (0.00019%); highest among the groups gnomAD compares: Non-Finnish European, 0.00033%; no homozygotes.

Submission:

Labcorp Genetics (formerly Invitae), Labcorp
Classification: Uncertain significance for Familial adenomatous polyposis 1. Last evaluated: 2025-12-28. Review status: criteria provided, single submitter. Criteria: Invitae Variant Classification Sherloc (09022015). Collection method: clinical testing. Allele origin: germline.
Comment: This variant occurs in a non-coding region of the APC gene. It does not change the encoded amino acid sequence of the APC protein. This variant is not present in population databases (gnomAD no frequency). This variant has not been reported in the literature in individuals affected with APC-related conditions. Experimental studies and prediction algorithms are not available or were not evaluated, and the functional significance of this variant is currently unknown. In summary, the available evidence is currently insufficient to determine the role of this variant in disease. Therefore, it has been classified as a Variant of Uncertain Significance.

NM_001127511.3(APC):c.-178G>C

Gene: APC (APC regulator of Wnt signaling pathway; plus strand). Cytogenetic location: 5q22.2.
Variant type: single nucleotide variant.
Coding change: c.-178G>C on transcript NM_001127511.3; 178 bases upstream of the start codon, G replaced by C.
Molecular consequence: 5 prime UTR variant. On other transcripts: non-coding transcript variant (2).
Genome position (GRCh38, 1-based): chr5:112,707,540, G>C. VCF-style: chr5-112707540-G-C. GRCh37 (hg19) VCF-style: chr5-112043237-G-C.
Other names: c.-1396G>C (NM_001407470.1, NM_001407472.1); c.-361G>C (NM_001354895.2, NM_001407447.1, NM_001407452.1 and 3 more transcripts); c.-178G>C (NM_001354897.2, NM_001354902.2, NM_001407446.1); c.-128G>C (NM_001407448.1, NM_001407450.1, NM_001407457.1 and 1 more transcripts); c.-152G>C (NM_001407453.1).
Identifiers: ClinVar variation 1057608 (VCV001057608.9), dbSNP rs1045323633, ClinGen allele CA1573442412.